The following is an entry in ClinVar:

NM_001267550.2(TTN):c.42598_42599insG (p.Met14200fs)

Gene: TTN (titin; minus strand). Cytogenetic location: 2q31.2.
Variant type: Insertion.
Coding change: c.42598_42599insG on transcript NM_001267550.2 (MANE Select); coding-DNA positions 42598 to 42599, G inserted.
Protein change: p.Met14200fs; shifts the reading frame from methionine 14200.
Molecular consequence: frameshift variant.
Genome position: GRCh38 VCF-style: chr2-178633900-A-AC. GRCh37 (hg19) VCF-style: chr2-179498627-A-AC.
Other names: c.37675_37676insG, p.Met12559fs (NM_001256850.1); c.34894_34895insG, p.Met11632fs (NM_133378.4); c.15403_15404insG, p.Met5135fs (NM_003319.4); c.15778_15779insG, p.Met5260fs (NM_133432.3); c.15979_15980insG, p.Met5327fs (NM_133437.4); short protein forms M11632fs, M14200fs, M5327fs, M12559fs, M5135fs, M5260fs.
Identifiers: ClinVar variation 452205 (VCV000452205.17), dbSNP rs1553742630, ClinGen allele CA658657163.
Genomic context (GRCh38, chr2:178,633,900, plus strand): 5'-GAGCTCAGCTCCTTGACTTGAGCTTTTATCTGAGATATATCATCCAATGTCACTTCTTTC[A>AC]TTTCCAATTTGTGAGTCTTGCCCTCAGAAGAGATGAGTACTGTTCTGCTTGTATGGAGTT-3'

ClinVar aggregate classification (germline): Conflicting classifications of pathogenicity. Review status: criteria provided, conflicting classifications (1 of 4 stars). 5 submissions from 4 submitters: Likely pathogenic (4); Uncertain significance (1). Last evaluated 2024-11-04.

Conditions:
Cardiovascular phenotype. Identifiers: MedGen CN230736.
Dilated cardiomyopathy 1G (CMD1G). Identifiers: Orphanet 154, MedGen C1858763, MONDO:0011400, OMIM 604145.
Autosomal recessive limb-girdle muscular dystrophy type 2J (LGMDR10). Also called: Limb-girdle muscular dystrophy, type 2J; MUSCULAR DYSTROPHY, LIMB-GIRDLE, AUTOSOMAL RECESSIVE 10. Identifiers: Orphanet 140922, MedGen C1837342, MONDO:0012127, OMIM 608807.
Centronuclear myopathy (CNM). Also called: Centronuclear myopathy, congenital; Myotubular myopathy. Identifiers: Orphanet 595, MedGen C0175709, MONDO:0018947. Inheritance: All.
Primary dilated cardiomyopathy (DCM). Also called: Dilated Cardiomyopathy. Identifiers: Orphanet 217604, MedGen C0007193, MeSH D002311, MONDO:0005021, HP:0001644. Inheritance: Various modes of inheritance.

Submissions (5):

Labcorp Genetics (formerly Invitae), Labcorp
Classification: Likely pathogenic for Dilated cardiomyopathy 1G; Autosomal recessive limb-girdle muscular dystrophy type 2J. Last evaluated: 2024-11-04. Review status: criteria provided, single submitter. Criteria: Invitae Variant Classification Sherloc (09022015). Collection method: clinical testing. Allele origin: germline.
Comment: This sequence change creates a premature translational stop signal (p.Met14200Serfs*8) in the TTN gene. While this is not anticipated to result in nonsense mediated decay, it is expected to create a truncated TTN protein. This variant is not present in population databases (gnomAD no frequency). This variant has not been reported in the literature in individuals affected with TTN-related conditions. ClinVar contains an entry for this variant (Variation ID: 452205). This variant is located in the I band of TTN (PMID: 25589632). Truncating variants in this region have been reported in individuals affected with autosomal recessive centronuclear myopathy (PMID: 23975875, internal data). Truncating variants in this region have also been identified in individuals affected with autosomal dominant dilated cardiomyopathy and/or cardio-related conditions (PMID: 27869827, 32964742, internal data). In summary, the currently available evidence indicates that the variant is pathogenic, but additional data are needed to prove that conclusively. Therefore, this variant has been classified as Likely Pathogenic.

Ambry Genetics
Classification: Likely pathogenic for Cardiovascular phenotype. Last evaluated: 2021-06-28. Review status: criteria provided, single submitter. Criteria: Ambry Variant Classification Scheme 2023. Collection method: clinical testing. Allele origin: germline.
Comment: The c.15403_15404insG variant, located in coding exon 58 of the TTN gene, results from an insertion of one nucleotide at position 15403, causing a translational frameshift with a predicted alternate stop codon (p.M5135Sfs*8). This exon is located in the I-band region of the N2-B isoform of the titin protein and is constitutively expressed in TTN transcripts (percent spliced in or PSI 100%). In addition, this variant is considered to be rare based on population cohorts in the Genome Aggregation Database (gnomAD). This alteration is expected to result in loss of function by premature protein truncation or nonsense-mediated mRNA decay. While truncating variants in TTN are present in 1-3% of the general population, truncating variants in the A-band are the most common cause of dilated cardiomyopathy (DCM) (Herman DS et al. N. Engl. J. Med., 2012 Feb;366:619-28; Roberts AM et al. Sci Transl Med, 2015 Jan;7:270ra6). TTN truncating variants encoded in constitutive exons (PSI >90%) have been found to be significantly associated with DCM regardless of their position in titin (Schafer S et al. Nat. Genet., 2017 01;49:46-53). As such, this alteration is classified as likely pathogenic.

Laboratory for Molecular Medicine, Mass General Brigham Personalized Medicine
Classification: Likely pathogenic for Myotubular myopathy. Last evaluated: 2018-11-13. Review status: criteria provided, single submitter. Criteria: LMM Criteria. Collection method: clinical testing. Allele origin: germline. Inheritance: Autosomal recessive inheritance. Observed: 2 variant alleles.
Comment: proposed classification - variant undergoing re-assessment, contact laboratory

Laboratory for Molecular Medicine, Mass General Brigham Personalized Medicine
Classification: Likely pathogenic for Primary dilated cardiomyopathy. Last evaluated: 2018-11-13. Review status: criteria provided, single submitter. Criteria: LMM Criteria. Collection method: clinical testing. Allele origin: germline. Inheritance: Autosomal dominant inheritance. Observed: 2 variant alleles.
Comment: the same text as in the submission from Laboratory for Molecular Medicine, Mass General Brigham Personalized Medicine above.

GeneDx
Classification: Uncertain significance. Last evaluated: 2017-09-19. Review status: criteria provided, single submitter. Criteria: GeneDx Variant Classification (06012015). Collection method: clinical testing. Allele origin: germline. Affected: yes.
Comment: A variant of uncertain significance has been identified in the TTN gene. The c.37675_37676insG variant in the TTN gene has not been reported as a pathogenic or benign variant to our knowledge. This variant causes a shift in reading frame starting at codon methionine 12559, changing it to an serine, and creating a premature stop codon at position 8 of the new reading frame, denoted p.Met12559SerfsX8. This variant is expected to result in either an abnormal, truncated protein product or loss of protein from this allele through nonsense-mediated mRNA decay. The c.37675_37676insG variant has not been observed in a large population cohort (Exome Variant Server). Other frameshift variants in the TTN gene have been reported in Human Gene Mutation Database in association with cardiomyopathy (Stenson et al., 2014). Nevertheless, the majority of pathogenic variants reported in association with autosomal dominant dilated cardiomyopathy (DCM) are truncating variants in the A-band region of titin, while the clinical significance of variants in the I-band, where c.37675_37676insG occurs, is not well characterized. Furthermore, truncating TTN variants have been reported in approximately 3% of control alleles (Herman et al., 2012).

Literature cited by the submitters: PubMed 25589632 (cited by Labcorp Genetics (formerly Invitae), Labcorp and Laboratory for Molecular Medicine, Mass General Brigham Personalized Medicine); PubMed 23975875 (cited by Labcorp Genetics (formerly Invitae), Labcorp); PubMed 27869827 (cited by Labcorp Genetics (formerly Invitae), Labcorp); PubMed 32964742 (cited by Labcorp Genetics (formerly Invitae), Labcorp); PubMed 30609409 (cited by Ambry Genetics).